The following is an entry in ClinVar:

ClinVar aggregate classification (germline): Uncertain significance. Review status: criteria provided, multiple submitters, no conflicts (2 of 4 stars). 3 submissions from 3 submitters: Uncertain significance (3). Last evaluated 2026-03-05.

Conditions:
Hereditary cancer-predisposing syndrome. Also called: Tumor predisposition; Hereditary Cancer Syndrome; Hereditary neoplastic syndrome; Neoplastic Syndromes, Hereditary. Identifiers: Orphanet 140162, MedGen C0027672, MeSH D009386, MONDO:0015356.

gnomAD v4.1: 3 of 1,613,196 alleles (0.00019%); highest among the groups gnomAD compares: East Asian, 0.0022%; no homozygotes.

Submissions (3):

Ambry Genetics
Classification: Uncertain significance for Hereditary cancer-predisposing syndrome. Last evaluated: 2026-03-05. Review status: criteria provided, single submitter. Criteria: Ambry Variant Classification Scheme 2023. Collection method: clinical testing. Allele origin: germline.
Comment: The p.L244F variant (also known as c.730C>T), located in coding exon 5 of the FH gene, results from a C to T substitution at nucleotide position 730. The leucine at codon 244 is replaced by phenylalanine, an amino acid with highly similar properties. This amino acid position is highly conserved in available vertebrate species. In addition, this alteration is predicted to be deleterious by in silico analysis. Based on the available evidence, the clinical significance of this variant remains unclear.

Labcorp Genetics (formerly Invitae), Labcorp
Classification: Uncertain significance. Last evaluated: 2022-06-07. Review status: criteria provided, single submitter. Criteria: Invitae Variant Classification Sherloc (09022015). Collection method: clinical testing. Allele origin: germline.
Comment: In summary, the available evidence is currently insufficient to determine the role of this variant in disease. Therefore, it has been classified as a Variant of Uncertain Significance. Advanced modeling of protein sequence and biophysical properties (such as structural, functional, and spatial information, amino acid conservation, physicochemical variation, residue mobility, and thermodynamic stability) performed at Invitae indicates that this missense variant is expected to disrupt FH protein function. This variant has not been reported in the literature in individuals affected with FH-related conditions. This variant is not present in population databases (gnomAD no frequency). This sequence change replaces leucine, which is neutral and non-polar, with phenylalanine, which is neutral and non-polar, at codon 244 of the FH protein (p.Leu244Phe).

GeneDx
Classification: Uncertain significance. Last evaluated: 2022-02-23. Review status: criteria provided, single submitter. Criteria: GeneDx Variant Classification Process June 2021. Collection method: clinical testing. Allele origin: germline. Affected: yes.
Comment: Not observed at significant frequency in large population cohorts (gnomAD); In silico analysis supports that this missense variant has a deleterious effect on protein structure/function; Has not been previously published as pathogenic or benign to our knowledge

NM_000143.4(FH):c.730C>T (p.Leu244Phe)

Gene: FH (fumarate hydratase; minus strand). Cytogenetic location: 1q43.
Variant type: single nucleotide variant.
Coding change: c.730C>T on transcript NM_000143.4 (MANE Select); coding-DNA position 730, C replaced by T.
Protein change: p.Leu244Phe; replaces leucine 244 with phenylalanine.
Molecular consequence: missense variant.
Genome position (GRCh38, 1-based): chr1:241,508,611, G>A on the plus strand (C>T on the coding strand, the complement: FH is on the minus strand). VCF-style: chr1-241508611-G-A. GRCh37 (hg19) VCF-style: chr1-241671911-G-A.
Other names: short protein forms L244F.
Identifiers: ClinVar variation 1703380 (VCV001703380.9), dbSNP rs1659989125, ClinGen allele CA345439158.